The following is an entry in ClinVar:

ClinVar aggregate classification (germline): Conflicting classifications of pathogenicity. Review status: criteria provided, conflicting classifications (1 of 4 stars). 4 submissions from 4 submitters: Uncertain significance (1); Benign (1); Likely benign (2). Last evaluated 2025-01-14.

Conditions:
Hereditary cancer-predisposing syndrome. Also called: Hereditary neoplastic syndrome; Tumor predisposition; Neoplastic Syndromes, Hereditary; Hereditary Cancer Syndrome. Identifiers: Orphanet 140162, MedGen C0027672, MeSH D009386, MONDO:0015356.
Multiple endocrine neoplasia, type 1 (MEN1). Also called: MEN I; Endocrine adenomatosis multiple; MEN 1; WERMER SYNDROME; MEA I. Identifiers: Orphanet 652, MedGen C0025267, MeSH D018761, MONDO:0007540, OMIM 131100.

Allele frequency attached by ClinVar (database versions not stated): gnomAD 0.00001; gnomAD exomes 0.00001; ExAC 0.00005.
gnomAD v4.1: 15 of 1,614,050 alleles (0.00093%); highest among the groups gnomAD compares: South Asian, 0.014%; no homozygotes.

Submissions (4):

Labcorp Genetics (formerly Invitae), Labcorp
Classification: Likely benign for Multiple endocrine neoplasia, type 1. Last evaluated: 2025-01-14. Review status: criteria provided, single submitter. Criteria: Invitae Variant Classification Sherloc (09022015). Collection method: clinical testing. Allele origin: germline.

Myriad Genetics, Inc.
Classification: Benign for Multiple endocrine neoplasia, type 1. Last evaluated: 2024-11-05. Review status: criteria provided, single submitter. Criteria: Myriad Autosomal Dominant, Autosomal Recessive and X-Linked Classification Criteria (2023). Collection method: clinical testing. Allele origin: unknown.
Comment: This variant is considered benign. This variant is a silent/synonymous amino acid change and it is not expected to impact splicing.

GeneDx
Classification: Uncertain significance. Last evaluated: 2022-07-29. Review status: criteria provided, single submitter. Criteria: GeneDx Variant Classification Process June 2021. Collection method: clinical testing. Allele origin: germline. Affected: yes.
Comment: In silico analysis supports that this variant does not alter splicing; Has not been previously published as pathogenic or benign to our knowledge; Also known as c.1716C>T; p.(A572=)

Ambry Genetics
Classification: Likely benign for Hereditary cancer-predisposing syndrome. Last evaluated: 2018-02-14. Review status: criteria provided, single submitter. Criteria: Ambry Variant Classification Scheme 2023. Collection method: clinical testing. Allele origin: germline.

NM_001370259.2(MEN1):c.1701C>T (p.Ala567=)

Gene: MEN1 (menin 1; minus strand). Cytogenetic location: 11q13.1.
Variant type: single nucleotide variant.
Coding change: c.1701C>T on transcript NM_001370259.2 (MANE Select); coding-DNA position 1701, C replaced by T.
Protein change: p.Ala567=; no amino-acid change (alanine 567 retained).
Molecular consequence: synonymous variant.
Genome position (GRCh38, 1-based): chr11:64,804,466, G>A on the plus strand (C>T on the coding strand, the complement: MEN1 is on the minus strand). VCF-style: chr11-64804466-G-A. GRCh37 (hg19) VCF-style: chr11-64571938-G-A.
Other names: c.1701C>T, p.Ala567= (NM_130799.3, NM_001370261.2, NM_001370260.2); c.1716C>T, p.Ala572= (NM_130800.3, NM_130801.3, NM_130802.3 and 3 more transcripts); c.1596C>T, p.Ala532= (NM_001370262.2, NM_001370263.2); c.1827C>T, p.Ala609= (NM_001370251.2).
Identifiers: ClinVar variation 428038 (VCV000428038.19), dbSNP rs757417271, ClinGen allele CA060907.